The following is an entry in ClinVar:

ClinVar aggregate classification (germline): Pathogenic (1 of 4 stars; one submission).

Conditions:
Mitochondrial complex I deficiency, nuclear type 21. Also called: Mitochondrial complex 1 deficiency, nuclear type 21. Identifiers: MedGen C4748792, MONDO:0032625, OMIM 618242.

Submission:

Women's Health and Genetics/Laboratory Corporation of America, LabCorp
Classification: Pathogenic for Mitochondrial complex I deficiency, nuclear type 21. Last evaluated: 2023-11-01. Review status: criteria provided, single submitter. Criteria: LabCorp Variant Classification Summary - May 2015. Collection method: clinical testing. Allele origin: germline.
Comment: Variant summary: The variant identified by MLPA or other technology involves the deletion of exon 7 in the NUBPL gene. A presumed nomenclature of c.(513+1_514-1)_(607+1_608-1)del has been designated for the purposes of this classification. Although exact breakpoints of this deletion are not known, it is expected to cause in a frameshift in the NUBPL gene which is expected to result in nonsense mediated decay, a known mechanism of disease. The variant was absent in 21694 control chromosomes (gnomAD, structural variants dataset). To our knowledge, no occurrence of c.(513+1_514-1)_(607+1_608-1)del in individuals affected with Mitochondrial Complex 1 Deficiency, Nuclear Type 21 and no experimental evidence demonstrating its impact on protein function have been reported. No submitters have cited clinical-significance assessments for this variant to ClinVar after 2014. Based on the evidence outlined above, the variant was classified as pathogenic.

NC_000014.8:g.(32142781_32256985)_(32257080_32295834)del

Gene: NUBPL (NUBP iron-sulfur cluster assembly factor, mitochondrial; plus strand). Cytogenetic location: 14q12.
Variant type: Deletion.
Identifiers: ClinVar variation 2682369 (VCV002682369.1).